The following is an entry in ClinVar:

NM_021076.4(NEFH):c.41C>G (p.Pro14Arg)

Gene: NEFH (neurofilament heavy chain; plus strand). Cytogenetic location: 22q12.2.
Variant type: single nucleotide variant.
Coding change: c.41C>G on transcript NM_021076.4 (MANE Select); coding-DNA position 41, C replaced by G.
Protein change: p.Pro14Arg; replaces proline 14 with arginine.
Molecular consequence: missense variant.
Genome position (GRCh38, 1-based): chr22:29,480,303, C>G. VCF-style: chr22-29480303-C-G. GRCh37 (hg19) VCF-style: chr22-29876292-C-G.
Other names: short protein forms P14R.
Identifiers: ClinVar variation 2832224 (VCV002832224.3), dbSNP rs2062995157, ClinGen allele CA411121003.
Genomic context (GRCh38, chr22:29,480,303, plus strand): 5'-CTCGCGCACCTGCTCAGGCCATGATGAGCTTCGGCGGCGCGGACGCGCTGCTGGGCGCCC[C>G]GTTCGCGCCGCTGCATGGCGGCGGCAGCCTCCACTACGCGCTAGCCCGAAAGGGTGGCGC-3'
Protein context (NP_066554.2, residues 4-24): FGGADALLGA[Pro14Arg]FAPLHGGGSL

ClinVar aggregate classification (germline): Uncertain significance (1 of 4 stars; one submission).

gnomAD v4.1: 1 of 1,506,858 alleles (0.000066%); highest among the groups gnomAD compares: Non-Finnish European, 0.000088%; no homozygotes.

Submission:

Labcorp Genetics (formerly Invitae), Labcorp
Classification: Uncertain significance. Last evaluated: 2023-09-10. Review status: criteria provided, single submitter. Criteria: Invitae Variant Classification Sherloc (09022015). Collection method: clinical testing. Allele origin: germline.
Comment: In summary, the available evidence is currently insufficient to determine the role of this variant in disease. Therefore, it has been classified as a Variant of Uncertain Significance. This sequence change replaces proline, which is neutral and non-polar, with arginine, which is basic and polar, at codon 14 of the NEFH protein (p.Pro14Arg). Advanced modeling of protein sequence and biophysical properties (such as structural, functional, and spatial information, amino acid conservation, physicochemical variation, residue mobility, and thermodynamic stability) performed at Invitae indicates that this missense variant is not expected to disrupt NEFH protein function. This variant has not been reported in the literature in individuals affected with NEFH-related conditions. This variant is not present in population databases (gnomAD no frequency).